The following is an entry in ClinVar:

NM_004329.3(BMPR1A):c.1472A>G (p.Glu491Gly)

Gene: BMPR1A (bone morphogenetic protein receptor type 1A; plus strand). Cytogenetic location: 10q23.2.
Variant type: single nucleotide variant.
Coding change: c.1472A>G on transcript NM_004329.3 (MANE Select); coding-DNA position 1472, A replaced by G.
Protein change: p.Glu491Gly; replaces glutamic acid 491 with glycine.
Molecular consequence: missense variant. On other transcripts: non-coding transcript variant (3).
Genome position (GRCh38, 1-based): chr10:86,923,505, A>G. VCF-style: chr10-86923505-A-G. GRCh37 (hg19) VCF-style: chr10-88683262-A-G.
Other names: c.1472A>G, p.Glu491Gly (NM_001406561.1, NM_001406562.1, NM_001406563.1 and 19 more transcripts); c.1466A>G, p.Glu489Gly (NM_001406583.1); c.1388A>G, p.Glu463Gly (NM_001406584.1, NM_001406585.1, NM_001406586.1 and 2 more transcripts); c.1130A>G, p.Glu377Gly (NM_001406589.1); c.1547A>G, p.Glu516Gly (NM_001406559.1); c.1520A>G, p.Glu507Gly (NM_001406560.1); short protein forms E377G, E463G, E489G, E491G, E507G, E516G.
Identifiers: ClinVar variation 4867565 (VCV004867565.1).
Genomic context (GRCh38, chr10:86,923,505, plus strand): 5'-GTGAGGTTGTGTGTGTCAAACGTTTGCGGCCAATTGTGTCTAATCGGTGGAACAGTGATG[A>G]AGTGAGTGGAACTCAGTCCCCTGAAGAAGTGATTCGTAAATGCCACCAAATATATTCTCT-3'
Protein context (NP_004320.2, residues 481-501): PIVSNRWNSD[Glu491Gly]CLRAVLKLMS

ClinVar aggregate classification (germline): Uncertain significance (1 of 4 stars; one submission).

Conditions:
Hereditary cancer-predisposing syndrome. Also called: Neoplastic Syndromes, Hereditary; Tumor predisposition; Hereditary Cancer Syndrome; Hereditary neoplastic syndrome. Identifiers: Orphanet 140162, MedGen C0027672, MeSH D009386, MONDO:0015356.

gnomAD v4.1: 1 of 1,614,240 alleles (0.000062%); highest among the groups gnomAD compares: Non-Finnish European, 0.000085%; no homozygotes.

Submission:

Ambry Genetics
Classification: Uncertain significance for Hereditary cancer-predisposing syndrome. Last evaluated: 2026-05-23. Review status: criteria provided, single submitter. Criteria: Ambry Variant Classification Scheme 2023. Collection method: clinical testing. Allele origin: germline.
Comment: The p.E491G variant (also known as c.1472A>G), located in coding exon 10 of the BMPR1A gene, results from an A to G substitution at nucleotide position 1472. The glutamic acid at codon 491 is replaced by glycine, an amino acid with similar properties. This amino acid position is conserved. In addition, this alteration is predicted to be deleterious by in silico analysis. Based on the available evidence, the clinical significance of this variant remains unclear.